The following is an entry in ClinVar:

NM_000264.5(PTCH1):c.4298A>C (p.Gln1433Pro)

Gene: PTCH1 (patched 1; minus strand). Cytogenetic location: 9q22.32.
Variant type: single nucleotide variant.
Coding change: c.4298A>C on transcript NM_000264.5 (MANE Select); coding-DNA position 4298, A replaced by C.
Protein change: p.Gln1433Pro; replaces glutamine 1433 with proline.
Molecular consequence: missense variant. On other transcripts: non-coding transcript variant (1).
Genome position (GRCh38, 1-based): chr9:95,446,958, T>G on the plus strand (A>C on the coding strand, the complement: PTCH1 is on the minus strand). VCF-style: chr9-95446958-T-G. GRCh37 (hg19) VCF-style: chr9-98209240-T-G.
Other names: c.3845A>C, p.Gln1282Pro (NM_001083606.3, NM_001083607.3, NM_001083604.3 and 1 more transcripts); c.4142A>C, p.Gln1381Pro (NM_001354918.2); c.4100A>C, p.Gln1367Pro (NM_001083602.3); c.4295A>C, p.Gln1432Pro (NM_001083603.3); short protein forms Q1367P, Q1381P, Q1282P, Q1432P, Q1433P.
Identifiers: ClinVar variation 4146887 (VCV004146887.1).
Genomic context (GRCh38, chr9:95,446,958, plus strand): 5'-CAGTGGCACTCACCTCAGTTGGAGCTGCTTCCCCGGGGCCTCTCCTCGCATTCCACGTCC[T>G]GCAGCTCAATGACTTCCACCTTCGAATCCCTCCTCTCACACCGGACGTGGAAAGGCACGT-3'
Protein context (NP_000255.2, residues 1423-1443): RDSKVEVIEL[Gln1433Pro]DVECEERPRG

ClinVar aggregate classification (germline): Uncertain significance (1 of 4 stars; one submission).

Conditions:
Hereditary cancer-predisposing syndrome. Also called: Hereditary neoplastic syndrome; Neoplastic Syndromes, Hereditary; Tumor predisposition; Hereditary Cancer Syndrome. Identifiers: Orphanet 140162, MedGen C0027672, MeSH D009386, MONDO:0015356.

gnomAD v4.1: 2 of 1,614,226 alleles (0.00012%); highest among the groups gnomAD compares: East Asian, 0.0022%; no homozygotes.

Submission:

Ambry Genetics
Classification: Uncertain significance for Hereditary cancer-predisposing syndrome. Last evaluated: 2025-08-20. Review status: criteria provided, single submitter. Criteria: Ambry Variant Classification Scheme 2023. Collection method: clinical testing. Allele origin: germline.
Comment: The p.Q1433P variant (also known as c.4298A>C), located in coding exon 23 of the PTCH1 gene, results from an A to C substitution at nucleotide position 4298. The glutamine at codon 1433 is replaced by proline, an amino acid with similar properties. This amino acid position is conserved. In addition, this alteration is predicted to be deleterious by in silico analysis. Based on the available evidence, the clinical significance of this variant remains unclear.